The following is an entry in ClinVar:

NM_001042492.3(NF1):c.1185G>A (p.Lys395=)

Gene: NF1 (neurofibromin 1; plus strand). Cytogenetic location: 17q11.2.
Variant type: single nucleotide variant.
Coding change: c.1185G>A on transcript NM_001042492.3 (MANE Select); coding-DNA position 1185, G replaced by A.
Protein change: p.Lys395=; no amino-acid change (lysine 395 retained).
Molecular consequence: synonymous variant.
Genome position (GRCh38, 1-based): chr17:31,201,159, G>A. VCF-style: chr17-31201159-G-A. GRCh37 (hg19) VCF-style: chr17-29528177-G-A.
Other names: c.1185G>A, p.Lys395= (NM_000267.4, NM_001128147.3).
Identifiers: ClinVar variation 581467 (VCV000581467.12), dbSNP rs1567835847, ClinGen allele CA499220192.

ClinVar aggregate classification (germline): Pathogenic/Likely pathogenic. Review status: criteria provided, multiple submitters, no conflicts (2 of 4 stars). 4 submissions from 4 submitters: Pathogenic (1); Likely pathogenic (3). Last evaluated 2025-04-09.

Conditions:
Neurofibromatosis, type 1 (NF1). Also called: Peripheral type neurofibromatosis; VON RECKLINGHAUSEN DISEASE; NEUROFIBROMATOSIS, TYPE I, SOMATIC; Neurofibromatosis, type I. Identifiers: Orphanet 636, MedGen C0027831, MONDO:0018975, OMIM 162200. Disease mechanism: loss of function.

Submissions (4):

NHS Central & South Genomic Laboratory Hub
Classification: Likely pathogenic for Neurofibromatosis type 1. Last evaluated: 2025-04-09. Review status: criteria provided, single submitter. Criteria: ACMG Guidelines, 2015. Collection method: clinical testing. Allele origin: germline. Affected: yes.

Labcorp Genetics (formerly Invitae), Labcorp
Classification: Pathogenic for Neurofibromatosis, type 1. Last evaluated: 2024-09-12. Review status: criteria provided, single submitter. Criteria: Invitae Variant Classification Sherloc (09022015). Collection method: clinical testing. Allele origin: germline.
Comment: This sequence change affects codon 395 of the NF1 mRNA. It is a 'silent' change, meaning that it does not change the encoded amino acid sequence of the NF1 protein. RNA analysis indicates that this variant induces altered splicing and likely results in a shortened protein product. This variant is not present in population databases (gnomAD no frequency). This variant has been observed in individuals with clinically features of neurofibromatosis type 1 (PMID: 22034633, 24789688; internal data). This variant is also known as the last nucleotide of exon 8. ClinVar contains an entry for this variant (Variation ID: 581467). Variants that disrupt the consensus splice site are a relatively common cause of aberrant splicing (PMID: 17576681, 9536098). Studies have shown that this variant results in skipping of 10, but is expected to preserve the integrity of the reading-frame (PMID: 24789688). For these reasons, this variant has been classified as Pathogenic.

Genome-Nilou Lab
Classification: Likely pathogenic for Neurofibromatosis, type 1. Last evaluated: 2022-03-15. Review status: criteria provided, single submitter. Criteria: ACMG Guidelines, 2015. Collection method: clinical testing. Allele origin: germline. Affected: no.

Genome Diagnostics Laboratory, The Hospital for Sick Children
Classification: Likely pathogenic for Neurofibromatosis, type 1. Last evaluated: 2020-10-26. Review status: criteria provided, single submitter. Criteria: ACMG Guidelines, 2015. Collection method: clinical testing. Allele origin: germline. Affected: yes.

Literature cited by the submitters: PubMed 22034633 (cited by Labcorp Genetics (formerly Invitae), Labcorp); PubMed 24789688 (cited by Labcorp Genetics (formerly Invitae), Labcorp); PubMed 17576681 (cited by Labcorp Genetics (formerly Invitae), Labcorp); PubMed 9536098 (cited by Labcorp Genetics (formerly Invitae), Labcorp).